The following is an entry in ClinVar:

ClinVar aggregate classification (germline): Likely benign. Review status: criteria provided, multiple submitters, no conflicts (2 of 4 stars). 2 submissions from 2 submitters: Likely benign (2). Last evaluated 2026-01-09.

Conditions:
SUOX-related disorder. Also called: SUOX-related condition.
Sulfite oxidase deficiency. Also called: Isolated sulfite oxidase deficiency. Identifiers: Orphanet 833, Orphanet 99731, MedGen C0268624, MONDO:0010089, OMIM 272300, HP:0003643.

Allele frequency attached by ClinVar (database versions not stated): gnomAD exomes 0.00001 and 0.00007; gnomAD 0.00005 and 0.00006; ExAC 0.00006.
gnomAD v4.1: 29 of 1,614,058 alleles (0.0018%); highest among the groups gnomAD compares: East Asian, 0.02%; no homozygotes.

Submissions (2):

Labcorp Genetics (formerly Invitae), Labcorp
Classification: Likely benign for Sulfite oxidase deficiency. Last evaluated: 2026-01-09. Review status: criteria provided, single submitter. Criteria: Invitae Variant Classification Sherloc (09022015). Collection method: clinical testing. Allele origin: germline.

PreventionGenetics, part of Exact Sciences
Classification: Likely benign for SUOX-related condition. Last evaluated: 2025-03-18. Review status: criteria provided, single submitter. Criteria: ACMG Guidelines, 2015. Collection method: clinical testing. Allele origin: germline.
Comment: This variant is classified as likely benign based on ACMG/AMP sequence variant interpretation guidelines (Richards et al. 2015 PMID: 25741868, with internal and published modifications).

NM_001032386.2(SUOX):c.1515C>T (p.Asn505=)

Gene: SUOX (sulfite oxidase; plus strand). Cytogenetic location: 12q13.2.
Variant type: single nucleotide variant.
Coding change: c.1515C>T on transcript NM_001032386.2 (MANE Select); coding-DNA position 1515, C replaced by T.
Protein change: p.Asn505=; no amino-acid change (asparagine 505 retained).
Molecular consequence: synonymous variant.
Genome position (GRCh38, 1-based): chr12:56,004,904, C>T. VCF-style: chr12-56004904-C-T. GRCh37 (hg19) VCF-style: chr12-56398688-C-T.
Other names: c.1515C>T (NM_000456.2); c.1515C>T, p.Asn505= (NM_000456.3, NM_001032387.2).
Identifiers: ClinVar variation 1106074 (VCV001106074.11), dbSNP rs748365148, ClinGen allele CA6621172.